The following is an entry in ClinVar:

ClinVar aggregate classification (germline): Uncertain significance (1 of 4 stars; one submission).

Conditions:
Hereditary cancer-predisposing syndrome. Also called: Tumor predisposition; Hereditary neoplastic syndrome; Hereditary Cancer Syndrome; Neoplastic Syndromes, Hereditary. Identifiers: Orphanet 140162, MedGen C0027672, MeSH D009386, MONDO:0015356.

Allele frequency attached by ClinVar (database versions not stated): gnomAD exomes below 0.00001.
gnomAD v4.1: 1 of 1,611,998 alleles (0.000062%); highest among the groups gnomAD compares: African/African-American, 0.0013%; no homozygotes.

Submission:

Ambry Genetics
Classification: Uncertain significance for Hereditary cancer-predisposing syndrome. Last evaluated: 2023-11-22. Review status: criteria provided, single submitter. Criteria: Ambry Variant Classification Scheme 2023. Collection method: clinical testing. Allele origin: germline.
Comment: The p.E718K variant (also known as c.2152G>A), located in coding exon 15 of the MSH3 gene, results from a G to A substitution at nucleotide position 2152. The glutamic acid at codon 718 is replaced by lysine, an amino acid with similar properties. This amino acid position is conserved. In addition, the in silico prediction for this alteration is inconclusive. Since supporting evidence is limited at this time, the clinical significance of this alteration remains unclear.

NM_002439.5(MSH3):c.2152G>A (p.Glu718Lys)

Gene: MSH3 (mutS homolog 3; plus strand). Cytogenetic location: 5q14.1.
Variant type: single nucleotide variant.
Coding change: c.2152G>A on transcript NM_002439.5 (MANE Select); coding-DNA position 2152, G replaced by A.
Protein change: p.Glu718Lys; replaces glutamic acid 718 with lysine.
Molecular consequence: missense variant.
Genome position (GRCh38, 1-based): chr5:80,768,902, G>A. VCF-style: chr5-80768902-G-A. GRCh37 (hg19) VCF-style: chr5-80064721-G-A.
Other names: short protein forms E718K.
Identifiers: ClinVar variation 3222256 (VCV003222256.1), dbSNP rs2546774250, ClinGen allele CA360279415.
Genomic context (GRCh38, chr5:80,768,902, plus strand): 5'-GATAAAACTGAATTATTTAAAGACCTTTCTGACTTCCCTTTAATAAAAAAGAGGAAGGAT[G>A]AAATTCAAGGTGTTATTGACGAGATCCGAATGCATTTGCAAGAAATACGAAAAATACTAA-3'
Protein context (NP_002430.3, residues 708-728): DFPLIKKRKD[Glu718Lys]IQGVIDEIRM